The following is an entry in ClinVar:

ClinVar aggregate classification (germline): Uncertain significance (1 of 4 stars; one submission).

gnomAD v4.1: 1 of 1,611,848 alleles (0.000062%); no homozygotes.

Submission:

CeGaT Center for Human Genetics Tuebingen
Classification: Uncertain significance. Last evaluated: 2023-05-01. Review status: criteria provided, single submitter. Criteria: CeGaT Center For Human Genetics Tuebingen Variant Classification Criteria Version 2. Collection method: clinical testing. Allele origin: germline. Affected: yes. Observed: 1 variant allele.
Comment: NBEA: PM2

NM_001385012.1(NBEA):c.4893T>G (p.Ile1631Met)

Gene: NBEA (neurobeachin; plus strand). Cytogenetic location: 13q13.3.
Variant type: single nucleotide variant.
Coding change: c.4893T>G on transcript NM_001385012.1 (MANE Select); coding-DNA position 4893, T replaced by G.
Protein change: p.Ile1631Met; replaces isoleucine 1631 with methionine.
Molecular consequence: missense variant.
Genome position (GRCh38, 1-based): chr13:35,184,037, T>G. VCF-style: chr13-35184037-T-G. GRCh37 (hg19) VCF-style: chr13-35758174-T-G.
Other names: c.4884T>G, p.Ile1628Met (NM_001379245.1); c.4893T>G, p.Ile1631Met (NM_015678.5); short protein forms I1628M, I1631M.
Identifiers: ClinVar variation 2643749 (VCV002643749.24), dbSNP rs2504007106, ClinGen allele CA387833448.
Genomic context (GRCh38, chr13:35,184,037, plus strand): 5'-TGTGGTCATACCATCTATCCCTCATCCAAGTTTGAACCATGGATTCCTTGCCAAGTTAAT[T>G]CCTGAGCAGAGCTTTGGCCACTCATTTTACAAAGGTAATACTGACCTCATCTCCTGACCT-3'
Protein context (NP_001371941.1, residues 1621-1641): SLNHGFLAKL[Ile1631Met]PEQSFGHSFY